The following is an entry in ClinVar:

NM_032620.4(GTPBP3):c.853C>T (p.Arg285Cys)

Gene: GTPBP3 (GTP binding protein 3, mitochondrial; plus strand). Cytogenetic location: 19p13.11.
Variant type: single nucleotide variant.
Coding change: c.853C>T on transcript NM_032620.4 (MANE Select); coding-DNA position 853, C replaced by T.
Protein change: p.Arg285Cys; replaces arginine 285 with cysteine.
Molecular consequence: missense variant.
Genome position (GRCh38, 1-based): chr19:17,339,478, C>T. VCF-style: chr19-17339478-C-T. GRCh37 (hg19) VCF-style: chr19-17450287-C-T.
Other names: c.853C>T, p.Arg285Cys (NM_001128855.3); c.919C>T, p.Arg307Cys (NM_001195422.1); c.949C>T, p.Arg317Cys (NM_133644.4); short protein forms R307C, R285C, R317C.
Identifiers: ClinVar variation 1432244 (VCV001432244.5), dbSNP rs773428582, ClinGen allele CA9293559.

ClinVar aggregate classification (germline): Uncertain significance (1 of 4 stars; one submission).

Allele frequency attached by ClinVar (database versions not stated): gnomAD exomes below 0.00001; ExAC 0.00001; gnomAD 0.00001; TOPMed 0.00001.
gnomAD v4.1: 4 of 1,613,836 alleles (0.00025%); highest among the groups gnomAD compares: Non-Finnish European, 0.00034%; no homozygotes.

Submission:

Labcorp Genetics (formerly Invitae), Labcorp
Classification: Uncertain significance. Last evaluated: 2022-04-01. Review status: criteria provided, single submitter. Criteria: Invitae Variant Classification Sherloc (09022015). Collection method: clinical testing. Allele origin: germline.
Comment: This sequence change replaces arginine, which is basic and polar, with cysteine, which is neutral and slightly polar, at codon 317 of the GTPBP3 protein (p.Arg317Cys). This variant is present in population databases (rs773428582, gnomAD 0.0009%). This variant has not been reported in the literature in individuals affected with GTPBP3-related conditions. Algorithms developed to predict the effect of missense changes on protein structure and function are either unavailable or do not agree on the potential impact of this missense change (SIFT: "Deleterious"; PolyPhen-2: "Probably Damaging"; Align-GVGD: "Class C0"). In summary, the available evidence is currently insufficient to determine the role of this variant in disease. Therefore, it has been classified as a Variant of Uncertain Significance.